The following is an entry in ClinVar:

NM_000057.4(BLM):c.1709T>A (p.Ile570Lys)

Gene: BLM (BLM RecQ like helicase; plus strand). Cytogenetic location: 15q26.1.
Variant type: single nucleotide variant.
Coding change: c.1709T>A on transcript NM_000057.4 (MANE Select); coding-DNA position 1709, T replaced by A.
Protein change: p.Ile570Lys; replaces isoleucine 570 with lysine.
Molecular consequence: missense variant.
Genome position (GRCh38, 1-based): chr15:90,761,082, T>A. VCF-style: chr15-90761082-T-A. GRCh37 (hg19) VCF-style: chr15-91304312-T-A.
Other names: c.1709T>A, p.Ile570Lys (NM_001287246.2, NM_001287247.2); c.584T>A, p.Ile195Lys (NM_001287248.2); short protein forms I570K, I195K.
Identifiers: ClinVar variation 3480889 (VCV003480889.2).

ClinVar aggregate classification (germline): Uncertain significance. Review status: criteria provided, multiple submitters, no conflicts (2 of 4 stars). 2 submissions from 2 submitters: Uncertain significance (2). Last evaluated 2025-12-21.

Conditions:
Bloom syndrome (BLM). Also called: Bloom-Torre-Machacek syndrome. Identifiers: Orphanet 125, MedGen C0005859, MONDO:0008876, OMIM 210900.
Hereditary cancer-predisposing syndrome. Also called: Tumor predisposition; Neoplastic Syndromes, Hereditary; Hereditary Cancer Syndrome; Hereditary neoplastic syndrome. Identifiers: Orphanet 140162, MedGen C0027672, MeSH D009386, MONDO:0015356.

Submissions (2):

Labcorp Genetics (formerly Invitae), Labcorp
Classification: Uncertain significance for Bloom syndrome. Last evaluated: 2025-12-21. Review status: criteria provided, single submitter. Criteria: Invitae Variant Classification Sherloc (09022015). Collection method: clinical testing. Allele origin: germline.
Comment: This sequence change replaces isoleucine, which is neutral and non-polar, with lysine, which is basic and polar, at codon 570 of the BLM protein (p.Ile570Lys). This variant is not present in population databases (gnomAD no frequency). This variant has not been reported in the literature in individuals affected with BLM-related conditions. ClinVar contains an entry for this variant (Variation ID: 3480889). Invitae Evidence Modeling of protein sequence and biophysical properties (such as structural, functional, and spatial information, amino acid conservation, physicochemical variation, residue mobility, and thermodynamic stability) indicates that this missense variant is not expected to disrupt BLM protein function with a negative predictive value of 80%. In summary, the available evidence is currently insufficient to determine the role of this variant in disease. Therefore, it has been classified as a Variant of Uncertain Significance.

Ambry Genetics
Classification: Uncertain significance for Hereditary cancer-predisposing syndrome. Last evaluated: 2024-10-25. Review status: criteria provided, single submitter. Criteria: Ambry Variant Classification Scheme 2023. Collection method: clinical testing. Allele origin: germline.
Comment: The p.I570K variant (also known as c.1709T>A), located in coding exon 6 of the BLM gene, results from a T to A substitution at nucleotide position 1709. The isoleucine at codon 570 is replaced by lysine, an amino acid with dissimilar properties. This amino acid position is conserved. In addition, this alteration is predicted to be tolerated by in silico analysis. Based on the available evidence, the clinical significance of this variant remains unclear.